The following is an entry in ClinVar:

NM_001379180.1(ESRRB):c.89G>T (p.Gly30Val)

Gene: ESRRB (estrogen related receptor beta; plus strand). Cytogenetic location: 14q24.3.
Variant type: single nucleotide variant.
Coding change: c.89G>T on transcript NM_001379180.1 (MANE Select); coding-DNA position 89, G replaced by T.
Protein change: p.Gly30Val; replaces glycine 30 with valine.
Molecular consequence: missense variant.
Genome position (GRCh38, 1-based): chr14:76,439,379, G>T. VCF-style: chr14-76439379-G-T. GRCh37 (hg19) VCF-style: chr14-76905722-G-T.
Other names: c.41G>T, p.Gly14Val (NM_001411038.1); c.26G>T, p.Gly9Val (NM_004452.4); short protein forms G30V, G9V, G14V.
Identifiers: ClinVar variation 4989747 (VCV004989747.1).

ClinVar aggregate classification (germline): Uncertain significance (1 of 4 stars; one submission).

Conditions:
ESRRB-related disorder. Also called: ESRRB-related condition.

gnomAD v4.1: 15 of 1,613,550 alleles (0.00093%); highest among the groups gnomAD compares: Non-Finnish European, 0.0011%; no homozygotes.

Submission:

PreventionGenetics, part of Exact Sciences
Classification: Uncertain significance for ESRRB-related condition. Last evaluated: 2026-04-25. Review status: criteria provided, single submitter. Criteria: ACMG Guidelines, 2015. Collection method: clinical testing. Allele origin: germline.
Comment: The ESRRB c.26G>T variant is predicted to result in the amino acid substitution p.Gly9Val. To our knowledge, this variant has not been reported in the literature. This variant is reported in 0.0033% of alleles in individuals of South Asian descent in gnomAD. At this time, the clinical significance of this variant is uncertain due to the absence of conclusive functional and genetic evidence.